The following is an entry in ClinVar:

ClinVar aggregate classification (germline): Benign/Likely benign. Review status: criteria provided, multiple submitters, no conflicts (2 of 4 stars). 4 submissions from 4 submitters: Benign (1); Likely benign (3). Last evaluated 2026-07-13.

Conditions:
Familial adenomatous polyposis 1 (FAP1). Also called: POLYPOSIS, ADENOMATOUS INTESTINAL; FAMILIAL ADENOMATOUS POLYPOSIS 1, ATTENUATED. Identifiers: MedGen C2713442, MONDO:0021056, OMIM 175100. Disease mechanism: loss of function.
Hereditary cancer-predisposing syndrome. Also called: Neoplastic Syndromes, Hereditary; Tumor predisposition; Hereditary Cancer Syndrome; Hereditary neoplastic syndrome. Identifiers: Orphanet 140162, MedGen C0027672, MeSH D009386, MONDO:0015356.

Submissions (4):

Ambry Genetics
Classification: Likely benign for Hereditary cancer-predisposing syndrome. Last evaluated: 2026-07-13. Review status: criteria provided, single submitter. Criteria: Ambry Variant Classification Scheme 2023. Collection method: clinical testing. Allele origin: germline.

Myriad Genetics, Inc.
Classification: Benign for Familial adenomatous polyposis 1. Last evaluated: 2024-03-06. Review status: criteria provided, single submitter. Criteria: Myriad Autosomal Dominant, Autosomal Recessive and X-Linked Classification Criteria (2023). Collection method: clinical testing. Allele origin: unknown.
Comment: This variant is considered benign. This variant is a silent/synonymous amino acid change and it is not expected to impact splicing.

Labcorp Genetics (formerly Invitae), Labcorp
Classification: Likely benign for Familial adenomatous polyposis 1. Last evaluated: 2022-06-23. Review status: criteria provided, single submitter. Criteria: Invitae Variant Classification Sherloc (09022015). Collection method: clinical testing. Allele origin: germline.

Color Diagnostics, LLC DBA Color Health
Classification: Likely benign for Hereditary cancer-predisposing syndrome. Last evaluated: 2021-04-13. Review status: criteria provided, single submitter. Criteria: ACMG Guidelines, 2015. Collection method: clinical testing. Allele origin: germline.

NM_000038.6(APC):c.1689G>A (p.Leu563=)

Gene: APC (APC regulator of Wnt signaling pathway; plus strand). Cytogenetic location: 5q22.2.
Variant type: single nucleotide variant.
Coding change: c.1689G>A on transcript NM_000038.6 (MANE Select); coding-DNA position 1689, G replaced by A.
Protein change: p.Leu563=; no amino-acid change (leucine 563 retained).
Molecular consequence: synonymous variant.
Genome position (GRCh38, 1-based): chr5:112,828,918, G>A. VCF-style: chr5-112828918-G-A. GRCh37 (hg19) VCF-style: chr5-112164615-G-A.
Other names: c.1512G>A, p.Leu504= (NM_001354901.2); c.1416G>A, p.Leu472= (NM_001354902.2); c.1386G>A, p.Leu462= (NM_001354903.2); c.1311G>A, p.Leu437= (NM_001354904.2); c.1209G>A, p.Leu403= (NM_001354905.2); c.840G>A, p.Leu280= (NM_001354906.2); c.1689G>A, p.Leu563= (NM_001127510.3, NM_001354895.2); c.1635G>A, p.Leu545= (NM_001127511.3); and 5 more.
Identifiers: ClinVar variation 1090496 (VCV001090496.14), dbSNP rs2149817582, ClinGen allele CA445757405.